The following is an entry in ClinVar:

ClinVar aggregate classification (germline): Uncertain significance (1 of 4 stars; one submission).

Conditions:
Early Myoclonic Encephalopathy. Identifiers: MedGen C0270855.

Allele frequency attached by ClinVar (database versions not stated): TOPMed below 0.00001; gnomAD 0.00001; gnomAD exomes 0.00001.
gnomAD v4.1: 5 of 1,613,734 alleles (0.00031%); highest among the groups gnomAD compares: Non-Finnish European, 0.00042%; no homozygotes.

Submission:

Labcorp Genetics (formerly Invitae), Labcorp
Classification: Uncertain significance for Early Myoclonic Encephalopathy. Last evaluated: 2021-02-09. Review status: criteria provided, single submitter. Criteria: Invitae Variant Classification Sherloc (09022015). Collection method: clinical testing. Allele origin: germline.
Comment: In summary, the available evidence is currently insufficient to determine the role of this variant in disease. Therefore, it has been classified as a Variant of Uncertain Significance. Algorithms developed to predict the effect of missense changes on protein structure and function are either unavailable or do not agree on the potential impact of this missense change (SIFT: "Deleterious"; PolyPhen-2: "Probably Damaging"; Align-GVGD: "Class C0"). This variant has not been reported in the literature in individuals with JMJD1C-related conditions. This variant is not present in population databases (ExAC no frequency). This sequence change replaces glycine with glutamic acid at codon 918 of the JMJD1C protein (p.Gly918Glu). The glycine residue is moderately conserved and there is a moderate physicochemical difference between glycine and glutamic acid.

NM_032776.3(JMJD1C):c.2753G>A (p.Gly918Glu)

Gene: JMJD1C (jumonji domain containing 1C; minus strand). Cytogenetic location: 10q21.3.
Variant type: single nucleotide variant.
Coding change: c.2753G>A on transcript NM_032776.3 (MANE Select); coding-DNA position 2753, G replaced by A.
Protein change: p.Gly918Glu; replaces glycine 918 with glutamic acid.
Molecular consequence: missense variant. On other transcripts: non-coding transcript variant (1).
Genome position (GRCh38, 1-based): chr10:63,209,177, C>T on the plus strand (G>A on the coding strand, the complement: JMJD1C is on the minus strand). VCF-style: chr10-63209177-C-T. GRCh37 (hg19) VCF-style: chr10-64968937-C-T.
Other names: c.2207G>A, p.Gly736Glu (NM_001282948.2, NM_001318154.2); c.1889G>A, p.Gly630Glu (NM_001318153.2); c.2639G>A, p.Gly880Glu (NM_001322252.2); c.2096G>A, p.Gly699Glu (NM_001322254.2, NM_001322258.2); short protein forms G630E, G736E, G918E, G699E, G880E.
Identifiers: ClinVar variation 956462 (VCV000956462.9), dbSNP rs1847020735, ClinGen allele CA377043683.
Genomic context (GRCh38, chr10:63,209,177, plus strand): 5'-ATTTTAAGAGGCCGATGAGGCTCTGCACTGGAAGGTCTGACAGGAATGTGACTAAGTAAT[C>T]CAATACCATCTGCTGAGGTCACAGGGGTGGGCTGATGTAGCCAAGGACTGGGAGAATTCT-3'
Protein context (NP_116165.1, residues 908-928): PTPVTSADGI[Gly918Glu]LLSHIPVRPS